The following is an entry in ClinVar:

ClinVar aggregate classification (germline): Uncertain significance. Review status: criteria provided, multiple submitters, no conflicts (2 of 4 stars). 3 submissions from 3 submitters: Uncertain significance (3). Last evaluated 2022-04-28.

Conditions:
Cardiovascular phenotype. Identifiers: MedGen CN230736.

gnomAD v4.1: 1 of 1,597,192 alleles (0.000063%); highest among the groups gnomAD compares: Admixed American, 0.0017%; no homozygotes.

Submissions (3):

Labcorp Genetics (formerly Invitae), Labcorp
Classification: Uncertain significance. Last evaluated: 2022-04-28. Review status: criteria provided, single submitter. Criteria: Invitae Variant Classification Sherloc (09022015). Collection method: clinical testing. Allele origin: germline.
Comment: This sequence change replaces serine, which is neutral and polar, with cysteine, which is neutral and slightly polar, at codon 355 of the TBX20 protein (p.Ser355Cys). This variant is not present in population databases (gnomAD no frequency). In summary, the available evidence is currently insufficient to determine the role of this variant in disease. Therefore, it has been classified as a Variant of Uncertain Significance. Algorithms developed to predict the effect of missense changes on protein structure and function (SIFT, PolyPhen-2, Align-GVGD) all suggest that this variant is likely to be tolerated. ClinVar contains an entry for this variant (Variation ID: 1312291). This variant has not been reported in the literature in individuals affected with TBX20-related conditions.

Ambry Genetics
Classification: Uncertain significance for Cardiovascular phenotype. Last evaluated: 2021-09-20. Review status: criteria provided, single submitter. Criteria: Ambry Variant Classification Scheme 2023. Collection method: clinical testing. Allele origin: germline.
Comment: The p.S355C variant (also known as c.1063A>T), located in coding exon 8 of the TBX20 gene, results from an A to T substitution at nucleotide position 1063. The serine at codon 355 is replaced by cysteine, an amino acid with dissimilar properties. This amino acid position is conserved. In addition, this alteration is predicted to be tolerated by in silico analysis. Since supporting evidence is limited at this time, the clinical significance of this alteration remains unclear.

GeneDx
Classification: Uncertain significance. Last evaluated: 2019-09-16. Review status: criteria provided, single submitter. Criteria: GeneDx Variant Classification Process June 2021. Collection method: clinical testing. Allele origin: germline. Affected: yes.
Comment: Has not been previously published as pathogenic or benign to our knowledge; Not observed in large population cohorts (Lek et al., 2016); In silico analysis, which includes protein predictors and evolutionary conservation, supports that this variant does not alter protein structure/function

NM_001077653.2(TBX20):c.1063A>T (p.Ser355Cys)

Gene: TBX20 (T-box transcription factor 20; minus strand). Cytogenetic location: 7p14.2.
Variant type: single nucleotide variant.
Coding change: c.1063A>T on transcript NM_001077653.2 (MANE Select); coding-DNA position 1063, A replaced by T.
Protein change: p.Ser355Cys; replaces serine 355 with cysteine.
Molecular consequence: missense variant.
Genome position (GRCh38, 1-based): chr7:35,202,711, T>A on the plus strand (A>T on the coding strand, the complement: TBX20 is on the minus strand). VCF-style: chr7-35202711-T-A. GRCh37 (hg19) VCF-style: chr7-35242323-T-A.
Other names: short protein forms S355C.
Identifiers: ClinVar variation 1312291 (VCV001312291.8), dbSNP rs1457366029, ClinGen allele CA367263292.
Genomic context (GRCh38, chr7:35,202,711, plus strand): 5'-TGGATGCTGTGCTGGTGCCAAGAGCAGTCAGGGACTGTGGGTGCTGAAACCCAGGAAAAC[T>A]GGAAGAAGATGATACCCAGGAGCTGAGAGACAAATTATCAGATGTTGTAAAGGCTGACCC-3'
Protein context (NP_001071121.1, residues 345-365): SLSSWVSSSS[Ser355Cys]FPGFQHPQSL